The following is an entry in ClinVar:

ClinVar aggregate classification (germline): Conflicting classifications of pathogenicity. Review status: criteria provided, conflicting classifications (1 of 4 stars). 9 submissions from 9 submitters: Uncertain significance (2); Likely benign (6). 1 of the submissions does not count toward it. Last evaluated 2026-08-01.

Conditions:
KCNT1-related disorder. Also called: KCNT1-related condition.
Inborn genetic diseases. Identifiers: MedGen C0950123, MeSH D030342.
Developmental and epileptic encephalopathy, 14 (DEE14). Also called: Early infantile epileptic encephalopathy 14. Identifiers: Orphanet 293181, MedGen C3554195, MONDO:0013989, OMIM 614959.
Autosomal dominant nocturnal frontal lobe epilepsy 5. Also called: Epilepsy, nocturnal frontal lobe, 5; KCNT1-Related Epilepsy; CILIARY DYSKINESIA, PRIMARY, 28, WITHOUT SITUS INVERSUS; CILIARY DYSKINESIA, PRIMARY, 28, WITH SITUS INVERSUS. Identifiers: Orphanet 98784, MedGen C3554306, MONDO:0014002, OMIM 615005.

Allele frequency attached by ClinVar (database versions not stated): 1000 Genomes Project 30x 0.00016; gnomAD exomes 0.00036 and 0.00039; ExAC 0.00038; TOPMed 0.00064; 1000 Genomes Project 0.00020; ESP Exome Variant Server 0.00023; gnomAD 0.00034 and 0.00035.

Submissions (9):

CeGaT Center for Human Genetics Tuebingen
Classification: Likely benign. Last evaluated: 2026-08-01. Review status: criteria provided, single submitter. Criteria: CeGaT Center For Human Genetics Tuebingen Variant Classification Criteria Version 2. Collection method: clinical testing. Allele origin: germline. Affected: yes. Observed: 9 variant alleles.
Comment: KCNT1: BP4, BS1

Labcorp Genetics (formerly Invitae), Labcorp
Classification: Likely benign for Autosomal dominant nocturnal frontal lobe epilepsy 5; Developmental and epileptic encephalopathy, 14. Last evaluated: 2026-01-28. Review status: criteria provided, single submitter. Criteria: Invitae Variant Classification Sherloc (09022015). Collection method: clinical testing. Allele origin: germline.

Blueprint Genetics
Classification: Likely benign. Last evaluated: 2024-11-25. Review status: criteria provided, single submitter. Criteria: ACMG Guidelines, 2015. Collection method: clinical testing. Allele origin: germline.

ARUP Laboratories, Molecular Genetics and Genomics, ARUP Laboratories
Classification: Likely benign. Last evaluated: 2023-09-12. Review status: criteria provided, single submitter. Criteria: ARUP Molecular Germline Variant Investigation Process 2024. Collection method: clinical testing. Allele origin: germline.

Ambry Genetics
Classification: Likely benign for Inborn genetic diseases. Last evaluated: 2019-01-07. Review status: criteria provided, single submitter. Criteria: Ambry Variant Classification Scheme 2023. Collection method: clinical testing. Allele origin: germline.

GeneDx
Classification: Likely benign. Last evaluated: 2017-10-12. Review status: criteria provided, single submitter. Criteria: GeneDx Variant Classification (06012015). Collection method: clinical testing. Allele origin: germline. Affected: yes.
Comment: This variant is considered likely benign or benign based on one or more of the following criteria: it is a conservative change, it occurs at a poorly conserved position in the protein, it is predicted to be benign by multiple in silico algorithms, and/or has population frequency not consistent with disease.

Eurofins Ntd Llc (ga)
Classification: Uncertain significance. Last evaluated: 2017-08-28. Review status: criteria provided, single submitter. Criteria: EGL Classification Definitions 2015. Collection method: clinical testing. Allele origin: germline. Observed: 2 variant alleles, 2 heterozygotes.

Center for Pediatric Genomic Medicine, Children's Mercy Hospital and Clinics
Classification: Uncertain significance. Last evaluated: 2016-07-11. Review status: criteria provided, single submitter. Criteria: ACMG Guidelines, 2015. Collection method: clinical testing. Allele origin: germline.
ClinVar note: Converted during submission from Uncertain Significance to Uncertain significance.

PreventionGenetics, part of Exact Sciences
Classification: Likely benign for KCNT1-related condition. Last evaluated: 2020-02-03. Review status: no assertion criteria provided. Collection method: clinical testing. Allele origin: germline. Not counted in ClinVar's aggregate classification.
Comment: This variant is classified as likely benign based on ACMG/AMP sequence variant interpretation guidelines (Richards et al. 2015 PMID: 25741868, with internal and published modifications).

NM_020822.3(KCNT1):c.522G>A (p.Met174Ile)

Gene: KCNT1 (potassium sodium-activated channel subfamily T member 1; plus strand). Cytogenetic location: 9q34.3.
Variant type: single nucleotide variant.
Coding change: c.522G>A on transcript NM_020822.3 (MANE Select); coding-DNA position 522, G replaced by A.
Protein change: p.Met174Ile; replaces methionine 174 with isoleucine.
Molecular consequence: missense variant.
Genome position (GRCh38, 1-based): chr9:135,755,151, G>A. VCF-style: chr9-135755151-G-A. GRCh37 (hg19) VCF-style: chr9-138646997-G-A.
Other names: c.378G>A, p.Met126Ile (NM_001272003.2); short protein forms M174I, M126I.
Identifiers: ClinVar variation 241304 (VCV000241304.50), dbSNP rs147551342, ClinGen allele CA5326487.